The following is an entry in ClinVar:

NM_001281740.3(FHOD3):c.2208C>A (p.Ser736=)

Gene: FHOD3 (formin homology 2 domain containing 3; plus strand). Cytogenetic location: 18q12.2.
Variant type: single nucleotide variant.
Coding change: c.2208C>A on transcript NM_001281740.3 (MANE Select); coding-DNA position 2208, C replaced by A.
Protein change: p.Ser736=; no amino-acid change (serine 736 retained).
Molecular consequence: synonymous variant.
Genome position (GRCh38, 1-based): chr18:36,693,395, C>A. VCF-style: chr18-36693395-C-A. GRCh37 (hg19) VCF-style: chr18-34273358-C-A.
Other names: c.1632C>A, p.Ser544= (NM_001281739.3); c.1683C>A, p.Ser561= (NM_025135.5); c.2208C>A (NM_001281740.2).
Identifiers: ClinVar variation 777277 (VCV000777277.10), dbSNP rs150630527, ClinGen allele CA8941805.

ClinVar aggregate classification (germline): Benign/Likely benign. Review status: criteria provided, multiple submitters, no conflicts (2 of 4 stars). 5 submissions from 5 submitters: Benign (3); Likely benign (2). Last evaluated 2026-01-01.

Conditions:
FHOD3-related disorder. Also called: FHOD3-related condition.

Allele frequency attached by ClinVar (database versions not stated): 1000 Genomes Project 0.00180; 1000 Genomes Project 30x 0.00234; TOPMed 0.00281; gnomAD 0.00300 and 0.00304; ESP Exome Variant Server 0.00308; gnomAD exomes 0.00337 and 0.00496; ExAC 0.00343.
gnomAD v4.1: 7,728 of 1,613,826 alleles (0.48%); highest among the groups gnomAD compares: Non-Finnish European, 0.55%; 18 homozygotes.

Submissions (5):

CeGaT Center for Human Genetics Tuebingen
Classification: Likely benign. Last evaluated: 2026-01-01. Review status: criteria provided, single submitter. Criteria: CeGaT Center For Human Genetics Tuebingen Variant Classification Criteria Version 2. Collection method: clinical testing. Allele origin: germline. Affected: yes. Observed: 1 variant allele.
Comment: FHOD3: BP4, BP7, BS2

PreventionGenetics, part of Exact Sciences
Classification: Benign for FHOD3-related condition. Last evaluated: 2025-12-09. Review status: criteria provided, single submitter. Criteria: ACMG Guidelines, 2015. Collection method: clinical testing. Allele origin: germline.
Comment: This variant is classified as benign based on ACMG/AMP sequence variant interpretation guidelines (Richards et al. 2015 PMID: 25741868, with internal and published modifications).

Molecular Diagnostic Laboratory for Inherited Cardiovascular Disease, Montreal Heart Institute
Classification: Benign. Last evaluated: 2025-04-09. Review status: criteria provided, single submitter. Criteria: ACMG Guidelines, 2015. Collection method: clinical testing. Allele origin: germline. Affected: no.

Blueprint Genetics
Classification: Likely benign. Last evaluated: 2024-11-28. Review status: criteria provided, single submitter. Criteria: ACMG Guidelines, 2015. Collection method: clinical testing. Allele origin: germline.

Labcorp Genetics (formerly Invitae), Labcorp
Classification: Benign. Last evaluated: 2017-09-17. Review status: criteria provided, single submitter. Criteria: Invitae Variant Classification Sherloc (09022015). Collection method: clinical testing. Allele origin: germline.